The following is an entry in ClinVar:

NM_001903.5(CTNNA1):c.2011-3C>T

Gene: CTNNA1 (catenin alpha 1; plus strand). Cytogenetic location: 5q31.2.
Variant type: single nucleotide variant.
Coding change: c.2011-3C>T on transcript NM_001903.5 (MANE Select); 3 bases into the intron before coding-DNA position 2011, C replaced by T.
Molecular consequence: intron variant.
Genome position (GRCh38, 1-based): chr5:138,930,470, C>T. VCF-style: chr5-138930470-C-T. GRCh37 (hg19) VCF-style: chr5-138266159-C-T.
Other names: c.1918-3C>T (NM_001323986.2); c.1642-3C>T (NM_001290310.3); c.1702-3C>T (NM_001290309.3); c.2011-3C>T (NM_001323983.1, NM_001323982.2, NM_001323984.2 and 2 more transcripts); c.901-3C>T (NM_001323996.1, NM_001323993.1, NM_001324005.1 and 17 more transcripts); c.562-3C>T (NM_001324007.1, NM_001324009.1, NM_001324006.1 and 2 more transcripts); c.658-3C>T (NM_001324013.1, NM_001324012.1); c.808-3C>T (NM_001324011.1).
Identifiers: ClinVar variation 653584 (VCV000653584.8), dbSNP rs1580907634, ClinGen allele CA915942575.

ClinVar aggregate classification (germline): Uncertain significance (1 of 4 stars; one submission).

Submission:

Labcorp Genetics (formerly Invitae), Labcorp
Classification: Uncertain significance. Last evaluated: 2022-06-11. Review status: criteria provided, single submitter. Criteria: Invitae Variant Classification Sherloc (09022015). Collection method: clinical testing. Allele origin: germline.
Comment: This sequence change falls in intron 14 of the CTNNA1 gene. It does not directly change the encoded amino acid sequence of the CTNNA1 protein. It affects a nucleotide within the consensus splice site. This variant is not present in population databases (gnomAD no frequency). This variant has not been reported in the literature in individuals affected with CTNNA1-related conditions. ClinVar contains an entry for this variant (Variation ID: 653584). Variants that disrupt the consensus splice site are a relatively common cause of aberrant splicing (PMID: 17576681, 9536098). Algorithms developed to predict the effect of sequence changes on RNA splicing suggest that this variant is not likely to affect RNA splicing. In summary, the available evidence is currently insufficient to determine the role of this variant in disease. Therefore, it has been classified as a Variant of Uncertain Significance.

Literature cited by the submitters: PubMed 17576681; PubMed 9536098.